The following is an entry in ClinVar:

ClinVar aggregate classification (germline): Uncertain significance. Review status: criteria provided, multiple submitters, no conflicts (2 of 4 stars). 3 submissions from 3 submitters: Uncertain significance (3). Last evaluated 2025-09-16.

Conditions:
Inborn genetic diseases. Identifiers: MedGen C0950123, MeSH D030342.
Developmental and epileptic encephalopathy, 50 (DEE50). Also called: Epileptic encephalopathy, early infantile, 50. Identifiers: Orphanet 448010, MedGen C4225320, MONDO:0014647, OMIM 616457.

Allele frequency attached by ClinVar (database versions not stated): TOPMed 0.00004; ExAC 0.00003.
gnomAD v4.1: 83 of 1,610,134 alleles (0.0052%); highest among the groups gnomAD compares: Non-Finnish European, 0.0068%; no homozygotes.

Submissions (3):

Ambry Genetics
Classification: Uncertain significance for Inborn genetic diseases. Last evaluated: 2025-09-16. Review status: criteria provided, single submitter. Criteria: Ambry Variant Classification Scheme 2023. Collection method: clinical testing. Allele origin: germline.

Labcorp Genetics (formerly Invitae), Labcorp
Classification: Uncertain significance. Last evaluated: 2025-01-13. Review status: criteria provided, single submitter. Criteria: Invitae Variant Classification Sherloc (09022015). Collection method: clinical testing. Allele origin: germline.
Comment: This sequence change replaces glycine, which is neutral and non-polar, with aspartic acid, which is acidic and polar, at codon 367 of the CAD protein (p.Gly367Asp). This variant is present in population databases (rs766915720, gnomAD 0.008%). This variant has not been reported in the literature in individuals affected with CAD-related conditions. ClinVar contains an entry for this variant (Variation ID: 1032893). An algorithm developed to predict the effect of missense changes on protein structure and function (PolyPhen-2) suggests that this variant¬†is likely to be tolerated. In summary, the available evidence is currently insufficient to determine the role of this variant in disease. Therefore, it has been classified as a Variant of Uncertain Significance.

Baylor Genetics
Classification: Uncertain significance for Developmental and epileptic encephalopathy, 50. Last evaluated: 2018-05-15. Review status: criteria provided, single submitter. Criteria: ACMG Guidelines, 2015. Collection method: clinical testing. Allele origin: unknown. Affected: yes.
Comment: This variant was determined to be of uncertain significance according to ACMG Guidelines, 2015 [PMID:25741868].

NM_004341.5(CAD):c.1100G>A (p.Gly367Asp)

Gene: CAD (carbamoyl-phosphate synthetase 2, aspartate transcarbamylase, and dihydroorotase; plus strand). Cytogenetic location: 2p23.3.
Variant type: single nucleotide variant.
Coding change: c.1100G>A on transcript NM_004341.5 (MANE Select); coding-DNA position 1100, G replaced by A.
Protein change: p.Gly367Asp; replaces glycine 367 with aspartic acid.
Molecular consequence: missense variant.
Genome position (GRCh38, 1-based): chr2:27,224,021, G>A. VCF-style: chr2-27224021-G-A. GRCh37 (hg19) VCF-style: chr2-27446889-G-A.
Other names: c.1100G>A, p.Gly367Asp (NM_001306079.2); short protein forms G367D.
Identifiers: ClinVar variation 1032893 (VCV001032893.8), dbSNP rs766915720, ClinGen allele CA1572600.